The following is an entry in ClinVar:

NM_000426.4(LAMA2):c.8426A>G (p.Asn2809Ser)

Gene: LAMA2 (laminin subunit alpha 2; plus strand). Cytogenetic location: 6q22.33.
Variant type: single nucleotide variant.
Coding change: c.8426A>G on transcript NM_000426.4 (MANE Select); coding-DNA position 8426, A replaced by G.
Protein change: p.Asn2809Ser; replaces asparagine 2809 with serine.
Molecular consequence: missense variant.
Genome position (GRCh38, 1-based): chr6:129,503,159, A>G. VCF-style: chr6-129503159-A-G. GRCh37 (hg19) VCF-style: chr6-129824304-A-G.
Other names: c.8426A>G (NM_000426.3); c.8414A>G, p.Asn2805Ser (NM_001079823.2); short protein forms N2805S, N2809S.
Identifiers: ClinVar variation 1009598 (VCV001009598.6), dbSNP rs769892018, ClinGen allele CA3994834.

ClinVar aggregate classification (germline): Uncertain significance. Review status: criteria provided, multiple submitters, no conflicts (2 of 4 stars). 2 submissions from 2 submitters: Uncertain significance (2). Last evaluated 2024-09-20.

Conditions:
Inborn genetic diseases. Identifiers: MedGen C0950123, MeSH D030342.
LAMA2-related muscular dystrophy (LAMA2-RD). Also called: Laminin alpha 2-related dystrophy. Identifiers: MedGen C5679788, MONDO:0100228.

Allele frequency attached by ClinVar (database versions not stated): gnomAD exomes 0.00001 and 0.00004; ExAC 0.00002; gnomAD 0.00002; TOPMed 0.00003.
gnomAD v4.1: 66 of 1,614,074 alleles (0.0041%); highest among the groups gnomAD compares: Non-Finnish European, 0.0053%; no homozygotes.

Submissions (2):

Labcorp Genetics (formerly Invitae), Labcorp
Classification: Uncertain significance for LAMA2-related muscular dystrophy. Last evaluated: 2024-09-20. Review status: criteria provided, single submitter. Criteria: Invitae Variant Classification Sherloc (09022015). Collection method: clinical testing. Allele origin: germline.
Comment: This sequence change replaces asparagine, which is neutral and polar, with serine, which is neutral and polar, at codon 2809 of the LAMA2 protein (p.Asn2809Ser). This variant is present in population databases (rs769892018, gnomAD 0.003%). This variant has not been reported in the literature in individuals affected with LAMA2-related conditions. ClinVar contains an entry for this variant (Variation ID: 1009598). Invitae Evidence Modeling of protein sequence and biophysical properties (such as structural, functional, and spatial information, amino acid conservation, physicochemical variation, residue mobility, and thermodynamic stability) indicates that this missense variant is not expected to disrupt LAMA2 protein function with a negative predictive value of 95%. In summary, the available evidence is currently insufficient to determine the role of this variant in disease. Therefore, it has been classified as a Variant of Uncertain Significance.

Ambry Genetics
Classification: Uncertain significance for Inborn genetic diseases. Last evaluated: 2022-09-14. Review status: criteria provided, single submitter. Criteria: Ambry Variant Classification Scheme 2023. Collection method: clinical testing. Allele origin: germline.